The following is an entry in ClinVar:

ClinVar aggregate classification (germline): Uncertain significance (1 of 4 stars; one submission).

Conditions:
Autosomal recessive limb-girdle muscular dystrophy type R18 (LGMDR18). Also called: Limb-girdle muscular dystrophy, type 2S; MUSCULAR DYSTROPHY, LIMB-GIRDLE, AUTOSOMAL RECESSIVE 18; Autosomal recessive limb-girdle muscular dystrophy type 2S. Identifiers: Orphanet 369840, MedGen C4517996, MONDO:0014144, OMIM 615356.

gnomAD v4.1: 2 of 1,612,336 alleles (0.00012%); highest among the groups gnomAD compares: Non-Finnish European, 0.00017%; no homozygotes.

Submission:

Labcorp Genetics (formerly Invitae), Labcorp
Classification: Uncertain significance for Autosomal recessive limb-girdle muscular dystrophy type R18. Last evaluated: 2025-05-30. Review status: criteria provided, single submitter. Criteria: Invitae Variant Classification Sherloc (09022015). Collection method: clinical testing. Allele origin: germline.
Comment: This sequence change replaces methionine, which is neutral and non-polar, with isoleucine, which is neutral and non-polar, at codon 840 of the TRAPPC11 protein (p.Met840Ile). This variant is present in population databases (rs765212504, gnomAD 0.0009%). This variant has not been reported in the literature in individuals affected with TRAPPC11-related conditions. Invitae Evidence Modeling of protein sequence and biophysical properties (such as structural, functional, and spatial information, amino acid conservation, physicochemical variation, residue mobility, and thermodynamic stability) indicates that this missense variant is not expected to disrupt TRAPPC11 protein function with a negative predictive value of 80%. In summary, the available evidence is currently insufficient to determine the role of this variant in disease. Therefore, it has been classified as a Variant of Uncertain Significance.

NM_021942.6(TRAPPC11):c.2520G>A (p.Met840Ile)

Gene: TRAPPC11 (trafficking protein particle complex subunit 11; plus strand). Cytogenetic location: 4q35.1.
Variant type: single nucleotide variant.
Coding change: c.2520G>A on transcript NM_021942.6 (MANE Select); coding-DNA position 2520, G replaced by A.
Protein change: p.Met840Ile; replaces methionine 840 with isoleucine.
Molecular consequence: missense variant.
Genome position (GRCh38, 1-based): chr4:183,694,615, G>A. VCF-style: chr4-183694615-G-A. GRCh37 (hg19) VCF-style: chr4-184615768-G-A.
Other names: c.2520G>A, p.Met840Ile (NM_199053.3); short protein forms M840I.
Identifiers: ClinVar variation 4729123 (VCV004729123.1).